The following is an entry in ClinVar:

ClinVar aggregate classification (germline): Uncertain significance (1 of 4 stars; one submission).

Conditions:
Hereditary cancer-predisposing syndrome. Also called: Neoplastic Syndromes, Hereditary; Tumor predisposition; Hereditary Cancer Syndrome; Hereditary neoplastic syndrome. Identifiers: Orphanet 140162, MedGen C0027672, MeSH D009386, MONDO:0015356.

Submission:

Ambry Genetics
Classification: Uncertain significance for Hereditary cancer-predisposing syndrome. Last evaluated: 2025-10-03. Review status: criteria provided, single submitter. Criteria: Ambry Variant Classification Scheme 2023. Collection method: clinical testing. Allele origin: germline.
Comment: The p.N73Y variant (also known as c.217A>T), located in coding exon 2 of the PDGFRA gene, results from an A to T substitution at nucleotide position 217. The asparagine at codon 73 is replaced by tyrosine, an amino acid with dissimilar properties. This amino acid position is conserved. In addition, this alteration is predicted to be tolerated by in silico analysis. Based on the available evidence, the clinical significance of this variant remains unclear.

NM_006206.6(PDGFRA):c.217A>T (p.Asn73Tyr)

Gene: PDGFRA (platelet derived growth factor receptor alpha; plus strand). Cytogenetic location: 4q12.
Variant type: single nucleotide variant.
Coding change: c.217A>T on transcript NM_006206.6 (MANE Select); coding-DNA position 217, A replaced by T.
Protein change: p.Asn73Tyr; replaces asparagine 73 with tyrosine.
Molecular consequence: missense variant.
Genome position (GRCh38, 1-based): chr4:54,261,262, A>T. VCF-style: chr4-54261262-A-T. GRCh37 (hg19) VCF-style: chr4-55127429-A-T.
Other names: c.217A>T, p.Asn73Tyr (NM_001347827.2, NM_001347829.2); c.292A>T, p.Asn98Tyr (NM_001347828.2); c.256A>T, p.Asn86Tyr (NM_001347830.2); short protein forms N73Y, N86Y, N98Y.
Identifiers: ClinVar variation 4665163 (VCV004665163.1).